The following is an entry in ClinVar:

ClinVar aggregate classification (germline): Uncertain significance (1 of 4 stars; one submission).

gnomAD v4.1: 1 of 1,614,138 alleles (0.000062%); highest among the groups gnomAD compares: South Asian, 0.0011%; no homozygotes.

Submission:

Dasa
Classification: Uncertain significance. Last evaluated: 2025-11-11. Review status: criteria provided, single submitter. Criteria: DASA Assertion Criteria. Collection method: clinical testing. Allele origin: germline.
Comment: NM_001042681.2(RERE):c.1185C>G (p.Cys395Trp) is a missense variant that results in the substitution of cysteine with tryptophan. This variant is rare in population databases. The currently available literature and clinical evidence are not sufficient to establish a definitive association between this variant and the reported condition. Therefore, this variant is classified as a variant of uncertain significance.

NM_001042681.2(RERE):c.1185C>G (p.Cys395Trp)

Gene: RERE (arginine-glutamic acid dipeptide repeats; minus strand). Cytogenetic location: 1p36.23.
Variant type: single nucleotide variant.
Coding change: c.1185C>G on transcript NM_001042681.2 (MANE Select); coding-DNA position 1185, C replaced by G.
Protein change: p.Cys395Trp; replaces cysteine 395 with tryptophan.
Molecular consequence: missense variant.
Genome position (GRCh38, 1-based): chr1:8,465,943, G>C on the plus strand (C>G on the coding strand, the complement: RERE is on the minus strand). VCF-style: chr1-8465943-G-C. GRCh37 (hg19) VCF-style: chr1-8526003-G-C.
Other names: c.1185C>G, p.Cys395Trp (NM_012102.4); short protein forms C395W.
Identifiers: ClinVar variation 5020802 (VCV005020802.1).